The following is an entry in ClinVar:

NM_001111.5(ADAR):c.3094C>A (p.Arg1032Ser)

Gene: ADAR (adenosine deaminase RNA specific; minus strand). Cytogenetic location: 1q21.3.
Variant type: single nucleotide variant.
Coding change: c.3094C>A on transcript NM_001111.5 (MANE Select); coding-DNA position 3094, C replaced by A.
Protein change: p.Arg1032Ser; replaces arginine 1032 with serine.
Molecular consequence: missense variant.
Genome position (GRCh38, 1-based): chr1:154,586,289, G>T on the plus strand (C>A on the coding strand, the complement: ADAR is on the minus strand). VCF-style: chr1-154586289-G-T. GRCh37 (hg19) VCF-style: chr1-154558765-G-T.
Other names: c.2209C>A, p.Arg737Ser (NM_001025107.3, NM_001193495.2, NM_001365046.1 and 2 more transcripts); c.3121C>A, p.Arg1041Ser (NM_001365045.1); c.2131C>A, p.Arg711Ser (NM_001365049.1); c.3016C>A, p.Arg1006Ser (NM_015840.4); c.2959C>A, p.Arg987Ser (NM_015841.4); short protein forms R1041S, R737S, R987S, R1006S, R1032S, R711S.
Identifiers: ClinVar variation 4783452 (VCV004783452.1).

ClinVar aggregate classification (germline): Uncertain significance (1 of 4 stars; one submission).

Conditions:
Aicardi-Goutieres syndrome 6 (AGS6). Identifiers: Orphanet 51, MedGen C3539013, MONDO:0014007, OMIM 615010.
Symmetrical dyschromatosis of extremities (DSH). Also called: Dyschromatosis symmetrica hereditaria; DYSCHROMATOSIS SYMMETRICA HEREDITARIA 1; RETICULATE ACROPIGMENTATION OF DOHI; SYMMETRIC DYSCHROMATOSIS OF THE EXTREMITIES. Identifiers: Orphanet 41, MedGen C0406775, MONDO:0007483, OMIM 127400.

gnomAD v4.1: 1 of 1,614,174 alleles (0.000062%); highest among the groups gnomAD compares: Non-Finnish European, 0.000085%; no homozygotes.

Submission:

Labcorp Genetics (formerly Invitae), Labcorp
Classification: Uncertain significance for Aicardi-Goutieres syndrome 6; Symmetrical dyschromatosis of extremities. Last evaluated: 2025-06-17. Review status: criteria provided, single submitter. Criteria: Invitae Variant Classification Sherloc (09022015). Collection method: clinical testing. Allele origin: germline.
Comment: This sequence change replaces arginine, which is basic and polar, with serine, which is neutral and polar, at codon 1032 of the ADAR protein (p.Arg1032Ser). This variant is present in population databases (no rsID available, gnomAD 0.0009%). This variant has not been reported in the literature in individuals affected with ADAR-related conditions. Invitae Evidence Modeling of protein sequence and biophysical properties (such as structural, functional, and spatial information, amino acid conservation, physicochemical variation, residue mobility, and thermodynamic stability) has been performed for this missense variant. However, the output from this modeling did not meet the statistical confidence thresholds required to predict the impact of this variant on ADAR protein function. In summary, the available evidence is currently insufficient to determine the role of this variant in disease. Therefore, it has been classified as a Variant of Uncertain Significance.